The following is an entry in ClinVar:

ClinVar aggregate classification (germline): Benign/Likely benign. Review status: criteria provided, multiple submitters, no conflicts (2 of 4 stars). 3 submissions from 3 submitters: Benign (1); Likely benign (2). Last evaluated 2026-09-30.

Conditions:
Hereditary cancer-predisposing syndrome. Also called: Hereditary Cancer Syndrome; Hereditary neoplastic syndrome; Neoplastic Syndromes, Hereditary; Tumor predisposition. Identifiers: Orphanet 140162, MedGen C0027672, MeSH D009386, MONDO:0015356.
Rhabdoid tumor predisposition syndrome 2 (RTPS2). Identifiers: Orphanet 231108, Orphanet 69077, MedGen C2750074, MONDO:0013224, OMIM 613325.

Allele frequency attached by ClinVar (database versions not stated): TOPMed below 0.00001; gnomAD exomes below 0.00001 and 0.00001; gnomAD 0.00001.

Submissions (3):

Myriad Genetics, Inc.
Classification: Benign for Rhabdoid tumor predisposition syndrome 2. Last evaluated: 2026-09-30. Review status: criteria provided, single submitter. Criteria: Myriad Autosomal Dominant, Autosomal Recessive and X-Linked Classification Criteria (2023). Collection method: clinical testing. Allele origin: unknown.
Comment: This variant is considered benign. This variant is a silent/synonymous amino acid change and it is not expected to impact splicing.

Labcorp Genetics (formerly Invitae), Labcorp
Classification: Likely benign for Rhabdoid tumor predisposition syndrome 2. Last evaluated: 2024-11-06. Review status: criteria provided, single submitter. Criteria: Invitae Variant Classification Sherloc (09022015). Collection method: clinical testing. Allele origin: germline.

Ambry Genetics
Classification: Likely benign for Hereditary cancer-predisposing syndrome. Last evaluated: 2023-11-10. Review status: criteria provided, single submitter. Criteria: Ambry Variant Classification Scheme 2023. Collection method: clinical testing. Allele origin: germline.

NM_003072.5(SMARCA4):c.1284A>G (p.Thr428=)

Gene: SMARCA4 (SWI/SNF related BAF chromatin remodeling complex subunit ATPase 4; plus strand). Cytogenetic location: 19p13.2.
Variant type: single nucleotide variant.
Coding change: c.1284A>G on transcript NM_003072.5 (MANE Select); coding-DNA position 1284, A replaced by G.
Protein change: p.Thr428=; no amino-acid change (threonine 428 retained).
Molecular consequence: synonymous variant. On other transcripts: non-coding transcript variant (1).
Genome position (GRCh38, 1-based): chr19:10,991,188, A>G. VCF-style: chr19-10991188-A-G. GRCh37 (hg19) VCF-style: chr19-11101864-A-G.
Other names: c.1284A>G (NM_001128849.1); c.1284A>G, p.Thr428= (NM_001128844.3, NM_001128845.2, NM_001128846.2 and 5 more transcripts).
Identifiers: ClinVar variation 1120355 (VCV001120355.11), dbSNP rs1201442083, ClinGen allele CA505490077.